The following is an entry in ClinVar:

NM_000395.3(CSF2RB):c.2525C>G (p.Pro842Arg)

Gene: CSF2RB (colony stimulating factor 2 receptor subunit beta; plus strand). Cytogenetic location: 22q12.3.
Variant type: single nucleotide variant.
Coding change: c.2525C>G on transcript NM_000395.3 (MANE Select); coding-DNA position 2525, C replaced by G.
Protein change: p.Pro842Arg; replaces proline 842 with arginine.
Molecular consequence: missense variant.
Genome position (GRCh38, 1-based): chr22:36,938,333, C>G. VCF-style: chr22-36938333-C-G. GRCh37 (hg19) VCF-style: chr22-37334375-C-G.
Other names: short protein forms P842R.
Identifiers: ClinVar variation 1426102 (VCV001426102.8), dbSNP rs147019788, ClinGen allele CA411411665.
Genomic context (GRCh38, chr22:36,938,333, plus strand): 5'-ATTGCTTCCTCCCCGGCCTGGGGCCCGGCCCTCTCTCGCTCCGGAGTAAACCTTCTTCCC[C>G]GGGACCCGGTCCTGAGATCAAGAACCTAGACCAGGCTTTTCAAGTCAAGAAGCCCCCAGG-3'
Protein context (NP_000386.1, residues 832-852): PLSLRSKPSS[Pro842Arg]GPGPEIKNLD

ClinVar aggregate classification (germline): Uncertain significance (1 of 4 stars; one submission).

Submission:

Labcorp Genetics (formerly Invitae), Labcorp
Classification: Uncertain significance. Last evaluated: 2022-02-08. Review status: criteria provided, single submitter. Criteria: Invitae Variant Classification Sherloc (09022015). Collection method: clinical testing. Allele origin: germline.
Comment: Algorithms developed to predict the effect of missense changes on protein structure and function are either unavailable or do not agree on the potential impact of this missense change (SIFT: "Deleterious"; PolyPhen-2: "Probably Damaging"; Align-GVGD: "Class C0"). In summary, the available evidence is currently insufficient to determine the role of this variant in disease. Therefore, it has been classified as a Variant of Uncertain Significance. This variant has not been reported in the literature in individuals affected with CSF2RB-related conditions. This sequence change replaces proline, which is neutral and non-polar, with arginine, which is basic and polar, at codon 842 of the CSF2RB protein (p.Pro842Arg). This variant is not present in population databases (gnomAD no frequency).